The following is an entry in ClinVar:

NM_001378902.1(ROS1):c.1971G>A (p.Glu657=)

Gene: ROS1 (ROS proto-oncogene 1, receptor tyrosine kinase; minus strand). Cytogenetic location: 6q22.1.
Variant type: single nucleotide variant.
Coding change: c.1971G>A on transcript NM_001378902.1 (MANE Select); coding-DNA position 1971, G replaced by A.
Protein change: p.Glu657=; no amino-acid change (glutamic acid 657 retained).
Molecular consequence: synonymous variant.
Genome position (GRCh38, 1-based): chr6:117,387,808, C>T on the plus strand (G>A on the coding strand, the complement: ROS1 is on the minus strand). VCF-style: chr6-117387808-C-T. GRCh37 (hg19) VCF-style: chr6-117708971-C-T.
Other names: c.1971G>A, p.Glu657= (NM_001378891.1); c.1986G>A, p.Glu662= (NM_002944.3).
Identifiers: ClinVar variation 4083526 (VCV004083526.8).

ClinVar aggregate classification (germline): Benign (1 of 4 stars; one submission).

gnomAD v4.1: 113,355 of 1,613,952 alleles (7%); highest among the groups gnomAD compares: Middle Eastern, 22%; 4,503 homozygotes.

Submission:

CeGaT Center for Human Genetics Tuebingen
Classification: Benign. Last evaluated: 2025-08-01. Review status: criteria provided, single submitter. Criteria: CeGaT Center For Human Genetics Tuebingen Variant Classification Criteria Version 2. Collection method: clinical testing. Allele origin: germline. Affected: yes. Observed: 1 variant allele.
Comment: ROS1: BP4, BP7, BS1, BS2